The following is an entry in ClinVar:

NM_005475.3(SH2B3):c.124G>A (p.Ala42Thr)

Gene: SH2B3 (SH2B adaptor protein 3; plus strand). Cytogenetic location: 12q24.12.
Variant type: single nucleotide variant.
Coding change: c.124G>A on transcript NM_005475.3 (MANE Select); coding-DNA position 124, G replaced by A.
Protein change: p.Ala42Thr; replaces alanine 42 with threonine.
Molecular consequence: missense variant.
Genome position (GRCh38, 1-based): chr12:111,418,269, G>A. VCF-style: chr12-111418269-G-A. GRCh37 (hg19) VCF-style: chr12-111856073-G-A.
Other names: short protein forms A42T.
Identifiers: ClinVar variation 4163917 (VCV004163917.1).
Genomic context (GRCh38, chr12:111,418,269, plus strand): 5'-GCCCCGCGGGGCTGGAGCGAGTTCTGTGAGTTGCACGCCGTAGCGGCGGCCCGGGAGCTG[G>A]CCCGCCAGTACTGGCTGTTCGCCCGGGAGCATCCGCAGCACGCGCCGCTGCGCGCCGAGC-3'
Protein context (NP_005466.1, residues 32-52): LHAVAAAREL[Ala42Thr]RQYWLFAREH

ClinVar aggregate classification (germline): Uncertain significance (1 of 4 stars; one submission).

Conditions:
Inborn genetic diseases. Identifiers: MedGen C0950123, MeSH D030342.

gnomAD v4.1: 5 of 1,530,160 alleles (0.00033%); highest among the groups gnomAD compares: African/African-American, 0.0028%; no homozygotes.

Submission:

Ambry Genetics
Classification: Uncertain significance for Inborn genetic diseases. Last evaluated: 2025-06-28. Review status: criteria provided, single submitter. Criteria: Ambry Variant Classification Scheme 2023. Collection method: clinical testing. Allele origin: germline.
Comment: The p.A42T variant (also known as c.124G>A), located in coding exon 1 of the SH2B3 gene, results from a G to A substitution at nucleotide position 124. The alanine at codon 42 is replaced by threonine, an amino acid with similar properties. This amino acid position is conserved. In addition, the in silico prediction for this alteration is inconclusive. Based on the available evidence, the clinical significance of this variant remains unclear.